The following is an entry in ClinVar:

NM_000558.5(HBA1):c.420del (p.Lys140fs)

Genes: HBA1 (hemoglobin subunit alpha 1; plus strand), LOC106804613 (hemoglobin subunit alpha 1 recombination region; plus strand). Cytogenetic location: 16p13.3.
Variant type: Deletion.
Coding change: c.420del on transcript NM_000558.5 (MANE Select); coding-DNA position 420, one base deleted (A; older notation c.420delA).
Protein change: p.Lys140fs; shifts the reading frame from lysine 140.
Molecular consequence: frameshift variant.
Genome position (GRCh38, 1-based): chr16:177,402, A deleted; the last of 3 consecutive A bases (chr16:177,400-177,402); deleting any one gives the same sequence. VCF-style (leftmost placement, unchanged base first): chr16-177399-CA-C. GRCh37 (hg19) VCF-style: chr16-227398-CA-C.
Other names: short protein forms K140fs.
Identifiers: ClinVar variation 4814406 (VCV004814406.1).

ClinVar aggregate classification (germline): Likely pathogenic (1 of 4 stars; one submission).

Conditions:
alpha Thalassemia. Also called: Alpha thalassemia spectrum. Identifiers: Orphanet 846, MedGen C0002312, MONDO:0011399, OMIM 604131.

Submission:

Natera, Inc.
Classification: Likely pathogenic for Alpha thalassemia. Last evaluated: 2025-11-22. Review status: criteria provided, single submitter. Criteria: Natera Variant Classification Schema (03/2026). Collection method: clinical testing. Allele origin: germline.
Comment: The c.420delA variant in HBA1 is a frameshift variant predicted to elongate the protein beyond the termination codon. This variant is expected to result in nonsense mediated decay, truncation, or a dysfunctional protein product. This variant is rare in the general population with a frequency below the threshold expected for the associated phenotype(s). Given the available evidence, this variant is classified as Likely Pathogenic.